The following is an entry in ClinVar:

ClinVar aggregate classification (germline): Conflicting classifications of pathogenicity. Review status: criteria provided, conflicting classifications (1 of 4 stars). 2 submissions from 2 submitters: Pathogenic (1); Uncertain significance (1). Last evaluated 2025-09-10.

Conditions:
RYR1-related disorder. Also called: RYR1-related disorders; RYR1-related condition. Identifiers: MedGen CN239331.

Allele frequency attached by ClinVar (database versions not stated): gnomAD exomes 0.00001 and below 0.00001.
gnomAD v4.1: 11 of 1,614,118 alleles (0.00068%); highest among the groups gnomAD compares: Non-Finnish European, 0.00093%; no homozygotes.

Submissions (2):

Labcorp Genetics (formerly Invitae), Labcorp
Classification: Pathogenic for RYR1-related disorder. Last evaluated: 2025-09-10. Review status: criteria provided, single submitter. Criteria: Invitae Variant Classification Sherloc (09022015). Collection method: clinical testing. Allele origin: germline.
Comment: This sequence change replaces arginine, which is basic and polar, with tryptophan, which is neutral and slightly polar, at codon 3629 of the RYR1 protein (p.Arg3629Trp). This variant is present in population databases (no rsID available, gnomAD 0.0009%). This missense change has been observed in individual(s) with autosomal dominant RYR1-related conditions (PMID: 30236257, 31559918, 36208971). It has also been observed to segregate with disease in related individuals. This variant is also known as c.10870C>T (p.Arg3624Trp). ClinVar contains an entry for this variant (Variation ID: 590374). Invitae Evidence Modeling of protein sequence and biophysical properties (such as structural, functional, and spatial information, amino acid conservation, physicochemical variation, residue mobility, and thermodynamic stability) has been performed for this missense variant. However, the output from this modeling did not meet the statistical confidence thresholds required to predict the impact of this variant on RYR1 protein function. Experimental studies have shown that this missense change affects RYR1 function (PMID: 36208971). For these reasons, this variant has been classified as Pathogenic.

PreventionGenetics, part of Exact Sciences
Classification: Uncertain significance. Last evaluated: 2017-10-20. Review status: criteria provided, single submitter. Criteria: ACMG Guidelines, 2015. Collection method: clinical testing. Allele origin: germline.

Literature cited by the submitters: PubMed 30236257 (cited by Labcorp Genetics (formerly Invitae), Labcorp); PubMed 31559918 (cited by Labcorp Genetics (formerly Invitae), Labcorp); PubMed 36208971 (cited by Labcorp Genetics (formerly Invitae), Labcorp).

NM_000540.3(RYR1):c.10885C>T (p.Arg3629Trp)

Gene: RYR1 (ryanodine receptor 1; plus strand). Cytogenetic location: 19q13.2.
Variant type: single nucleotide variant.
Coding change: c.10885C>T on transcript NM_000540.3 (MANE Select); coding-DNA position 10885, C replaced by T.
Protein change: p.Arg3629Trp; replaces arginine 3629 with tryptophan.
Molecular consequence: missense variant.
Genome position (GRCh38, 1-based): chr19:38,528,366, C>T. VCF-style: chr19-38528366-C-T. GRCh37 (hg19) VCF-style: chr19-39019006-C-T.
Other names: c.10870C>T, p.Arg3624Trp (NM_001042723.2); short protein forms R3629W, R3624W.
Identifiers: ClinVar variation 590374 (VCV000590374.4), dbSNP rs1434232361, ClinGen allele CA405649497.